The following is an entry in ClinVar:

ClinVar aggregate classification (germline): Conflicting classifications of pathogenicity. Review status: criteria provided, conflicting classifications (1 of 4 stars). 7 submissions from 5 submitters: Uncertain significance (4); Benign (1); Likely benign (2). Last evaluated 2026-06-05.

Conditions:
Piebaldism. Also called: Piebald skin depigmentation. Identifiers: Orphanet 2884, MedGen C0080024, MONDO:0008244, OMIM 172800, HP:0007544.
Hereditary cancer-predisposing syndrome. Also called: Tumor predisposition; Hereditary neoplastic syndrome; Hereditary Cancer Syndrome; Neoplastic Syndromes, Hereditary. Identifiers: Orphanet 140162, MedGen C0027672, MeSH D009386, MONDO:0015356.
Mastocytosis. Also called: Mast Cell Disease. Identifiers: Orphanet 98292, MedGen C0024899, MONDO:0007950, HP:0100495.
Gastrointestinal stromal tumor. Also called: Gastrointestinal stroma tumor; Gastrointestinal stromal tumor, somatic. Identifiers: Orphanet 44890, MedGen C0238198, MeSH D046152, MONDO:0011719, OMIM 606764, HP:0100723.

Allele frequency attached by ClinVar (database versions not stated): ExAC 0.00001; gnomAD 0.00001; gnomAD exomes 0.00001; TOPMed 0.00001.
gnomAD v4.1: 20 of 1,613,944 alleles (0.0012%); highest among the groups gnomAD compares: Non-Finnish European, 0.0017%; no homozygotes.

Submissions (7):

Myriad Genetics, Inc.
Classification: Benign for Gastrointestinal stromal tumor. Last evaluated: 2026-06-05. Review status: criteria provided, single submitter. Criteria: Myriad Autosomal Dominant, Autosomal Recessive and X-Linked Classification Criteria (2023). Collection method: clinical testing. Allele origin: unknown.
Comment: This variant is considered benign. This variant is a silent/synonymous amino acid change and it is not expected to impact splicing.

Labcorp Genetics (formerly Invitae), Labcorp
Classification: Likely benign for Gastrointestinal stromal tumor. Last evaluated: 2025-11-10. Review status: criteria provided, single submitter. Criteria: Invitae Variant Classification Sherloc (09022015). Collection method: clinical testing. Allele origin: germline.

GeneDx
Classification: Uncertain significance. Last evaluated: 2023-10-31. Review status: criteria provided, single submitter. Criteria: GeneDx Variant Classification Process June 2021. Collection method: clinical testing. Allele origin: germline. Affected: yes.
Comment: Not observed at significant frequency in large population cohorts (gnomAD); In silico analysis supports that this variant does not alter splicing; Has not been previously published as pathogenic or benign to our knowledge

Ambry Genetics
Classification: Likely benign for Hereditary cancer-predisposing syndrome. Last evaluated: 2022-05-29. Review status: criteria provided, single submitter. Criteria: Ambry Variant Classification Scheme 2023. Collection method: clinical testing. Allele origin: germline.

Illumina Laboratory Services, Illumina
Classification: Uncertain significance for Cutaneous mastocytosis. Last evaluated: 2018-01-12. Review status: criteria provided, single submitter. Criteria: ICSL Variant Classification Criteria 13 December 2019. Collection method: clinical testing. Allele origin: germline.

Illumina Laboratory Services, Illumina
Classification: Uncertain significance for Piebaldism. Last evaluated: 2018-01-12. Review status: criteria provided, single submitter. Criteria: ICSL Variant Classification Criteria 13 December 2019. Collection method: clinical testing. Allele origin: germline.

Illumina Laboratory Services, Illumina
Classification: Uncertain significance for Gastrointestinal stromal tumor. Last evaluated: 2018-01-12. Review status: criteria provided, single submitter. Criteria: ICSL Variant Classification Criteria 13 December 2019. Collection method: clinical testing. Allele origin: germline.

NM_000222.3(KIT):c.2562C>G (p.Ser854=)

Gene: KIT (KIT proto-oncogene, receptor tyrosine kinase; plus strand). Cytogenetic location: 4q12.
Variant type: single nucleotide variant.
Coding change: c.2562C>G on transcript NM_000222.3 (MANE Select); coding-DNA position 2562, C replaced by G.
Protein change: p.Ser854=; no amino-acid change (serine 854 retained).
Molecular consequence: synonymous variant.
Genome position (GRCh38, 1-based): chr4:54,736,575, C>G. VCF-style: chr4-54736575-C-G. GRCh37 (hg19) VCF-style: chr4-55602741-C-G.
Other names: c.2550C>G, p.Ser850= (NM_001093772.2, NM_001385292.1); c.2565C>G, p.Ser855= (NM_001385284.1); c.2559C>G, p.Ser853= (NM_001385285.1); c.2547C>G, p.Ser849= (NM_001385286.1); c.2553C>G, p.Ser851= (NM_001385288.1); c.2562C>G, p.Ser854= (NM_001385290.1).
Identifiers: ClinVar variation 528556 (VCV000528556.21), dbSNP rs750039813, ClinGen allele CA2923793.